The following is an entry in ClinVar:

ClinVar aggregate classification (germline): Uncertain significance (1 of 4 stars; one submission).

Submission:

GeneDx
Classification: Uncertain significance. Last evaluated: 2025-09-16. Review status: criteria provided, single submitter. Criteria: GeneDx Variant Classification Process June 2021. Collection method: clinical testing. Allele origin: germline. Affected: yes.
Comment: Not observed at significant frequency in large population cohorts (gnomAD); In silico analysis suggests that this missense variant does not alter protein structure/function; Has not been previously published as pathogenic or benign to our knowledge

NM_001393769.1(MED12L):c.4810C>A (p.Leu1604Ile)

Genes: MED12L (mediator complex subunit 12L; plus strand), P2RY12 (purinergic receptor P2Y12; minus strand). Cytogenetic location: 3q25.1.
Variant type: single nucleotide variant.
Coding change: c.4810C>A on transcript NM_001393769.1 (MANE Select); coding-DNA position 4810, C replaced by A.
Protein change: p.Leu1604Ile; replaces leucine 1604 with isoleucine.
Molecular consequence: missense variant. On other transcripts: intron variant (1).
Genome position (GRCh38, 1-based): chr3:151,384,102, C>A. VCF-style: chr3-151384102-C-A. GRCh37 (hg19) VCF-style: chr3-151101890-C-A.
Other names: c.4705C>A, p.Leu1569Ile (NM_053002.6); c.-180+590G>T (NM_022788.5); short protein forms L1569I, L1604I.
Identifiers: ClinVar variation 4813414 (VCV004813414.1).
Genomic context (GRCh38, chr3:151,384,102, plus strand): 5'-CAGTTTCACTTTAAGATGAAAATAATTATTTTCTTTCTTAGTGAATTATTCACAACAGTT[C>A]TTGACATGCTGGGTGTTTTAATCAATGGAACGTTAGCCTCTGACCTATCAAATGCATCCC-3'
Protein context (NP_001380698.1, residues 1594-1614): HTNNELFTTV[Leu1604Ile]DMLGVLINGT